The following is an entry in ClinVar:

NM_007245.4(ATXN2L):c.1986T>C (p.Asn662=)

Gene: ATXN2L (ataxin 2 like; plus strand). Cytogenetic location: 16p11.2.
Variant type: single nucleotide variant.
Coding change: c.1986T>C on transcript NM_007245.4 (MANE Select); coding-DNA position 1986, T replaced by C.
Protein change: p.Asn662=; no amino-acid change (asparagine 662 retained).
Molecular consequence: synonymous variant.
Genome position (GRCh38, 1-based): chr16:28,833,469, T>C. VCF-style: chr16-28833469-T-C. GRCh37 (hg19) VCF-style: chr16-28844790-T-C.
Other names: c.2004T>C, p.Asn668= (NM_001308230.2, NM_001387166.1, NM_001387169.1 and 8 more transcripts); c.1986T>C, p.Asn662= (NM_001387167.1, NM_001387168.1, NM_001387173.1 and 20 more transcripts); c.1914T>C, p.Asn638= (NM_001387179.1, NM_001387185.1, NM_001387186.1 and 2 more transcripts); c.1917T>C, p.Asn639= (NM_001387187.1, NM_001387199.1); c.1932T>C, p.Asn644= (NM_001387197.1, NM_001387200.1); c.1797T>C, p.Asn599= (NM_001387203.1).
Identifiers: ClinVar variation 2646354 (VCV002646354.24), dbSNP rs2055287397, ClinGen allele CA494106366.

ClinVar aggregate classification (germline): Likely benign (1 of 4 stars; one submission).

Submission:

CeGaT Center for Human Genetics Tuebingen
Classification: Likely benign. Last evaluated: 2022-12-01. Review status: criteria provided, single submitter. Criteria: CeGaT Center For Human Genetics Tuebingen Variant Classification Criteria Version 2. Collection method: clinical testing. Allele origin: germline. Affected: yes. Observed: 1 variant allele.
Comment: ATXN2L: PM2:Supporting, BP4, BP7